The following is an entry in ClinVar:

ClinVar aggregate classification (germline): Pathogenic (1 of 4 stars; one submission).

Conditions:
Peroxisome biogenesis disorder, complementation group 7 (CG7). Also called: Peroxisome biogenesis disorder, complementation group B. Identifiers: MedGen C1864399.

Submission:

Labcorp Genetics (formerly Invitae), Labcorp
Classification: Pathogenic for Peroxisome biogenesis disorder, complementation group 7. Last evaluated: 2023-07-16. Review status: criteria provided, single submitter. Criteria: Invitae Variant Classification Sherloc (09022015). Collection method: clinical testing. Allele origin: germline.
Comment: For these reasons, this variant has been classified as Pathogenic. This variant has not been reported in the literature in individuals affected with PEX10-related conditions. The frequency data for this variant in the population databases is considered unreliable, as metrics indicate poor data quality at this position in the gnomAD database. This sequence change creates a premature translational stop signal (p.Leu208Serfs*4) in the PEX10 gene. It is expected to result in an absent or disrupted protein product. Loss-of-function variants in PEX10 are known to be pathogenic (PMID: 9683594, 10862081, 21031596).

Literature cited by the submitters: PubMed 9683594; PubMed 10862081; PubMed 21031596.

NM_002617.4(PEX10):c.601-39del

Gene: PEX10 (peroxisomal biogenesis factor 10; minus strand). Cytogenetic location: 1p36.32.
Variant type: Deletion.
Coding change: c.601-39del on transcript NM_002617.4 (MANE Select); 39 bases into the intron before coding-DNA position 601, one base deleted (C; older notation c.601-39delC).
Molecular consequence: intron variant. On other transcripts: frameshift variant (3).
Genome position (GRCh38, 1-based): chr1:2,406,934, G deleted on the plus strand (C on the coding strand, the reverse complement: PEX10 is on the minus strand); the first of 4 consecutive G bases (chr1:2,406,934-2,406,937); deleting any one gives the same sequence. VCF-style (leftmost placement, unchanged base first): chr1-2406933-AG-A. GRCh37 (hg19) VCF-style: chr1-2338372-AG-A.
Other names: c.619del, p.Leu207fs (NM_001374425.1); c.187del, p.Leu63fs (NM_001374426.1); c.622del, p.Leu208fs (NM_153818.2); c.169-39del (NM_001374427.1); short protein forms L63fs, L207fs, L208fs.
Identifiers: ClinVar variation 2743664 (VCV002743664.3), dbSNP rs748299996, ClinGen allele CA538105.